The following is an entry in ClinVar:

NM_001739.2(CA5A):c.187C>T (p.Arg63Trp)

Gene: CA5A (carbonic anhydrase 5A; minus strand). Cytogenetic location: 16q24.2.
Variant type: single nucleotide variant.
Coding change: c.187C>T on transcript NM_001739.2 (MANE Select); coding-DNA position 187, C replaced by T.
Protein change: p.Arg63Trp; replaces arginine 63 with tryptophan.
Molecular consequence: missense variant. On other transcripts: non-coding transcript variant (2).
Genome position (GRCh38, 1-based): chr16:87,926,901, G>A on the plus strand (C>T on the coding strand, the complement: CA5A is on the minus strand). VCF-style: chr16-87926901-G-A. GRCh37 (hg19) VCF-style: chr16-87960507-G-A.
Other names: c.187C>T, p.Arg63Trp (NM_001367225.1); short protein forms R63W.
Identifiers: ClinVar variation 1932943 (VCV001932943.5), dbSNP rs771206174, ClinGen allele CA8223596.

ClinVar aggregate classification (germline): Uncertain significance (1 of 4 stars; one submission).

Conditions:
Hyperammonemic encephalopathy due to carbonic anhydrase VA deficiency. Also called: Carbonic Anhydrase VA Deficiency; Carbonic anhydrase VA deficiency, hyperammonemia due to. Identifiers: Orphanet 401948, MedGen C4706871, MONDO:0014332, OMIM 615751.

Allele frequency attached by ClinVar (database versions not stated): gnomAD exomes below 0.00001; TOPMed below 0.00001; gnomAD 0.00003; ExAC 0.00005.
gnomAD v4.1: 9 of 1,606,246 alleles (0.00056%); highest among the groups gnomAD compares: Middle Eastern, 0.017%; no homozygotes.

Submission:

Labcorp Genetics (formerly Invitae), Labcorp
Classification: Uncertain significance for Hyperammonemic encephalopathy due to carbonic anhydrase VA deficiency. Last evaluated: 2022-11-08. Review status: criteria provided, single submitter. Criteria: Invitae Variant Classification Sherloc (09022015). Collection method: clinical testing. Allele origin: germline.
Comment: This variant is present in population databases (rs771206174, gnomAD 0.006%). In summary, the available evidence is currently insufficient to determine the role of this variant in disease. Therefore, it has been classified as a Variant of Uncertain Significance. Advanced modeling of protein sequence and biophysical properties (such as structural, functional, and spatial information, amino acid conservation, physicochemical variation, residue mobility, and thermodynamic stability) performed at Invitae indicates that this missense variant is expected to disrupt CA5A protein function. This variant has not been reported in the literature in individuals affected with CA5A-related conditions. This sequence change replaces arginine, which is basic and polar, with tryptophan, which is neutral and slightly polar, at codon 63 of the CA5A protein (p.Arg63Trp).